The following is an entry in ClinVar:

ClinVar aggregate classification (germline): Uncertain significance. Review status: criteria provided, multiple submitters, no conflicts (2 of 4 stars). 2 submissions from 2 submitters: Uncertain significance (2). Last evaluated 2025-02-26.

Allele frequency attached by ClinVar (database versions not stated): gnomAD 0.00001 and 0.00002; TOPMed 0.00001.
gnomAD v4.1: 10 of 1,613,984 alleles (0.00062%); highest among the groups gnomAD compares: African/African-American, 0.0027%; no homozygotes.

Submissions (2):

Labcorp Genetics (formerly Invitae), Labcorp
Classification: Uncertain significance. Last evaluated: 2025-02-26. Review status: criteria provided, single submitter. Criteria: Invitae Variant Classification Sherloc (09022015). Collection method: clinical testing. Allele origin: germline.
Comment: This sequence change replaces arginine, which is basic and polar, with glutamine, which is neutral and polar, at codon 475 of the DPYS protein (p.Arg475Gln). This variant is present in population databases (rs751818026, gnomAD 0.02%). This variant has not been reported in the literature in individuals affected with DPYS-related conditions. ClinVar contains an entry for this variant (Variation ID: 1425676). An algorithm developed to predict the effect of missense changes on protein structure and function (PolyPhen-2) suggests that this variant is likely to be disruptive. In summary, the available evidence is currently insufficient to determine the role of this variant in disease. Therefore, it has been classified as a Variant of Uncertain Significance.

Breakthrough Genomics
Classification: Uncertain significance. Review status: criteria provided, single submitter. Criteria: ACMG Guidelines, 2015. Collection method: not provided. Allele origin: germline. Inheritance: Autosomal recessive inheritance. Affected: yes.

NM_001385.3(DPYS):c.1424G>A (p.Arg475Gln)

Gene: DPYS (dihydropyrimidinase; minus strand). Cytogenetic location: 8q22.3.
Variant type: single nucleotide variant.
Coding change: c.1424G>A on transcript NM_001385.3 (MANE Select); coding-DNA position 1424, G replaced by A.
Protein change: p.Arg475Gln; replaces arginine 475 with glutamine.
Molecular consequence: missense variant.
Genome position (GRCh38, 1-based): chr8:104,392,803, C>T on the plus strand (G>A on the coding strand, the complement: DPYS is on the minus strand). VCF-style: chr8-104392803-C-T. GRCh37 (hg19) VCF-style: chr8-105405031-C-T.
Other names: short protein forms R475Q.
Identifiers: ClinVar variation 1425676 (VCV001425676.7), dbSNP rs751818026, ClinGen allele CA182615120.